The following is an entry in ClinVar:

NM_024529.5(CDC73):c.1241C>T (p.Pro414Leu)

Gene: CDC73 (cell division cycle 73; plus strand). Cytogenetic location: 1q31.2.
Variant type: single nucleotide variant.
Coding change: c.1241C>T on transcript NM_024529.5 (MANE Select); coding-DNA position 1241, C replaced by T.
Protein change: p.Pro414Leu; replaces proline 414 with leucine.
Molecular consequence: missense variant.
Genome position (GRCh38, 1-based): chr1:193,233,079, C>T. VCF-style: chr1-193233079-C-T. GRCh37 (hg19) VCF-style: chr1-193202209-C-T.
Other names: short protein forms P414L.
Identifiers: ClinVar variation 1933110 (VCV001933110.6), dbSNP rs2527493974, ClinGen allele CA344077911.

ClinVar aggregate classification (germline): Uncertain significance. Review status: criteria provided, multiple submitters, no conflicts (2 of 4 stars). 2 submissions from 2 submitters: Uncertain significance (2). Last evaluated 2024-12-26.

Conditions:
Hereditary cancer-predisposing syndrome. Also called: Neoplastic Syndromes, Hereditary; Hereditary Cancer Syndrome; Tumor predisposition; Hereditary neoplastic syndrome. Identifiers: Orphanet 140162, MedGen C0027672, MeSH D009386, MONDO:0015356.
Parathyroid carcinoma (PRTC). Also called: CDC73-Related Parathyroid Carcinoma; Parathyroid gland carcinoma. Identifiers: Orphanet 143, MedGen C0687150, MONDO:0012004, OMIM 608266, HP:0006780.

Allele frequency attached by ClinVar (database versions not stated): gnomAD exomes 0.00001.
gnomAD v4.1: 5 of 1,613,130 alleles (0.00031%); highest among the groups gnomAD compares: Non-Finnish European, 0.00042%; no homozygotes.

Submissions (2):

Labcorp Genetics (formerly Invitae), Labcorp
Classification: Uncertain significance for Parathyroid carcinoma. Last evaluated: 2024-12-26. Review status: criteria provided, single submitter. Criteria: Invitae Variant Classification Sherloc (09022015). Collection method: clinical testing. Allele origin: germline.
Comment: This sequence change replaces proline, which is neutral and non-polar, with leucine, which is neutral and non-polar, at codon 414 of the CDC73 protein (p.Pro414Leu). This variant is not present in population databases (gnomAD no frequency). This variant has not been reported in the literature in individuals affected with CDC73-related conditions. ClinVar contains an entry for this variant (Variation ID: 1933110). An algorithm developed to predict the effect of missense changes on protein structure and function (PolyPhen-2) suggests that this variant is likely to be tolerated. In summary, the available evidence is currently insufficient to determine the role of this variant in disease. Therefore, it has been classified as a Variant of Uncertain Significance.

Ambry Genetics
Classification: Uncertain significance for Hereditary cancer-predisposing syndrome. Last evaluated: 2023-12-21. Review status: criteria provided, single submitter. Criteria: Ambry Variant Classification Scheme 2023. Collection method: clinical testing. Allele origin: germline.
Comment: The p.P414L variant (also known as c.1241C>T), located in coding exon 14 of the CDC73 gene, results from a C to T substitution at nucleotide position 1241. The proline at codon 414 is replaced by leucine, an amino acid with similar properties. This amino acid position is conserved. In addition, this alteration is predicted to be tolerated by in silico analysis. Since supporting evidence is limited at this time, the clinical significance of this alteration remains unclear.